The following is an entry in ClinVar:

ClinVar aggregate classification (germline): Uncertain significance (1 of 4 stars; one submission).

gnomAD v4.1: 7 of 1,614,156 alleles (0.00043%); highest among the groups gnomAD compares: Non-Finnish European, 0.00059%; no homozygotes.

Submission:

Athena Diagnostics
Classification: Uncertain significance. Last evaluated: 2024-07-11. Review status: criteria provided, single submitter. Criteria: Athena Diagnostics Criteria. Collection method: clinical testing. Allele origin: unknown.
Comment: Available data are insufficient to determine the clinical significance of the variant at this time. This variant has not been reported in large, multi-ethnic general populations. Polyphen and MutationTaster predict this amino acid change may be benign.

NM_014363.6(SACS):c.1258A>G (p.Ile420Val)

Gene: SACS (sacsin molecular chaperone; minus strand). Cytogenetic location: 13q12.12.
Variant type: single nucleotide variant.
Coding change: c.1258A>G on transcript NM_014363.6 (MANE Select); coding-DNA position 1258, A replaced by G.
Protein change: p.Ile420Val; replaces isoleucine 420 with valine.
Molecular consequence: missense variant.
Genome position (GRCh38, 1-based): chr13:23,355,354, T>C on the plus strand (A>G on the coding strand, the complement: SACS is on the minus strand). VCF-style: chr13-23355354-T-C. GRCh37 (hg19) VCF-style: chr13-23929493-T-C.
Other names: c.817A>G, p.Ile273Val (NM_001278055.2); short protein forms I273V, I420V.
Identifiers: ClinVar variation 3571709 (VCV003571709.1).